The following is an entry in ClinVar:

NM_012199.5(AGO1):c.2558C>A (p.Thr853Asn)

Gene: AGO1 (argonaute RISC component 1; plus strand). Cytogenetic location: 1p34.3.
Variant type: single nucleotide variant.
Coding change: c.2558C>A on transcript NM_012199.5 (MANE Select); coding-DNA position 2558, C replaced by A.
Protein change: p.Thr853Asn; replaces threonine 853 with asparagine.
Molecular consequence: missense variant.
Genome position (GRCh38, 1-based): chr1:35,919,591, C>A. VCF-style: chr1-35919591-C-A. GRCh37 (hg19) VCF-style: chr1-36385192-C-A.
Other names: c.2558C>A, p.Thr853Asn (NM_001317122.2); c.2333C>A, p.Thr778Asn (NM_001317123.2); short protein forms T778N, T853N.
Identifiers: ClinVar variation 3251132 (VCV003251132.18), dbSNP rs2523937757.

ClinVar aggregate classification (germline): Uncertain significance (1 of 4 stars; one submission).

Submission:

CeGaT Center for Human Genetics Tuebingen
Classification: Uncertain significance. Last evaluated: 2024-06-01. Review status: criteria provided, single submitter. Criteria: CeGaT Center For Human Genetics Tuebingen Variant Classification Criteria Version 2. Collection method: clinical testing. Allele origin: germline. Affected: yes. Observed: 1 variant allele.
Comment: AGO1: PM2:Supporting, PP2